The following is an entry in ClinVar:

NM_020693.4(DSCAML1):c.2743A>G (p.Ser915Gly)

Gene: DSCAML1 (DS cell adhesion molecule like 1; minus strand). Cytogenetic location: 11q23.3.
Variant type: single nucleotide variant.
Coding change: c.2743A>G on transcript NM_020693.4 (MANE Select); coding-DNA position 2743, A replaced by G.
Protein change: p.Ser915Gly; replaces serine 915 with glycine.
Molecular consequence: missense variant.
Genome position (GRCh38, 1-based): chr11:117,480,485, T>C on the plus strand (A>G on the coding strand, the complement: DSCAML1 is on the minus strand). VCF-style: chr11-117480485-T-C. GRCh37 (hg19) VCF-style: chr11-117351200-T-C.
Other names: c.2743A>G, p.Ser915Gly (NM_001367904.1); short protein forms S915G.
Identifiers: ClinVar variation 3709394 (VCV003709394.2).

ClinVar aggregate classification (germline): Uncertain significance (1 of 4 stars; one submission).

gnomAD v4.1: 7 of 1,613,002 alleles (0.00043%); highest among the groups gnomAD compares: Non-Finnish European, 0.00059%; no homozygotes.

Submission:

Labcorp Genetics (formerly Invitae), Labcorp
Classification: Uncertain significance. Last evaluated: 2025-01-06. Review status: criteria provided, single submitter. Criteria: Invitae Variant Classification Sherloc (09022015). Collection method: clinical testing. Allele origin: germline.
Comment: This sequence change replaces serine, which is neutral and polar, with glycine, which is neutral and non-polar, at codon 975 of the DSCAML1 protein (p.Ser975Gly). This variant is not present in population databases (gnomAD no frequency). This variant has not been reported in the literature in individuals affected with DSCAML1-related conditions. An algorithm developed to predict the effect of missense changes on protein structure and function (PolyPhen-2) suggests that this variant is likely to be disruptive. In summary, the available evidence is currently insufficient to determine the role of this variant in disease. Therefore, it has been classified as a Variant of Uncertain Significance.